The following is an entry in ClinVar:

NM_001429.4(EP300):c.6526C>A (p.Pro2176Thr)

Gene: EP300 (EP300 lysine acetyltransferase; plus strand). Cytogenetic location: 22q13.2.
Variant type: single nucleotide variant.
Coding change: c.6526C>A on transcript NM_001429.4 (MANE Select); coding-DNA position 6526, C replaced by A.
Protein change: p.Pro2176Thr; replaces proline 2176 with threonine.
Molecular consequence: missense variant.
Genome position (GRCh38, 1-based): chr22:41,178,237, C>A. VCF-style: chr22-41178237-C-A. GRCh37 (hg19) VCF-style: chr22-41574241-C-A.
Other names: c.6448C>A, p.Pro2150Thr (NM_001362843.2); short protein forms P2150T, P2176T.
Identifiers: ClinVar variation 2363663 (VCV002363663.5), dbSNP rs779543207, ClinGen allele CA411682165.
Genomic context (GRCh38, chr22:41,178,237, plus strand): 5'-CCACCCATGGGAGGGATGAGCCCCCAGGCTCAGCAGATGAACATGAACCACAACACCATG[C>A]CTTCACAATTCCGAGACATCTTGAGACGACAGCAAATGATGCAACAGCAGCAGCAACAGG-3'
Protein context (NP_001420.2, residues 2166-2186): QQMNMNHNTM[Pro2176Thr]SQFRDILRRQ

ClinVar aggregate classification (germline): Uncertain significance. Review status: criteria provided, multiple submitters, no conflicts (2 of 4 stars). 3 submissions from 3 submitters: Uncertain significance (3). Last evaluated 2025-03-09.

Conditions:
Inborn genetic diseases. Identifiers: MedGen C0950123, MeSH D030342.
EP300-related disorder. Also called: EP300-related disorders; EP300-related condition.
Rubinstein-Taybi syndrome due to EP300 haploinsufficiency. Also called: EP300-Related Rubinstein-Taybi Syndrome; RUBINSTEIN-TAYBI SYNDROME 2. Identifiers: Orphanet 353284, Orphanet 783, MedGen C3150941, MONDO:0013364, OMIM 613684.

gnomAD v4.1: 3 of 1,614,116 alleles (0.00019%); no homozygotes.

Submissions (3):

PreventionGenetics, part of Exact Sciences
Classification: Uncertain significance for EP300-related condition. Last evaluated: 2025-03-09. Review status: criteria provided, single submitter. Criteria: ACMG Guidelines, 2015. Collection method: clinical testing. Allele origin: germline.
Comment: The EP300 c.6526C>A variant is predicted to result in the amino acid substitution p.Pro2176Thr. To our knowledge, this variant has not been reported in the literature. This variant is reported in 0.0046% of alleles in individuals of European (Finnish) descent in gnomAD. At this time, the clinical significance of this variant is uncertain due to the absence of conclusive functional and genetic evidence.

Labcorp Genetics (formerly Invitae), Labcorp
Classification: Uncertain significance for Rubinstein-Taybi syndrome due to EP300 haploinsufficiency. Last evaluated: 2025-01-26. Review status: criteria provided, single submitter. Criteria: Invitae Variant Classification Sherloc (09022015). Collection method: clinical testing. Allele origin: germline.
Comment: This sequence change replaces proline, which is neutral and non-polar, with threonine, which is neutral and polar, at codon 2176 of the EP300 protein (p.Pro2176Thr). This variant is present in population databases (no rsID available, gnomAD 0.004%). This variant has not been reported in the literature in individuals affected with EP300-related conditions. ClinVar contains an entry for this variant (Variation ID: 2363663). Invitae Evidence Modeling of protein sequence and biophysical properties (such as structural, functional, and spatial information, amino acid conservation, physicochemical variation, residue mobility, and thermodynamic stability) indicates that this missense variant is not expected to disrupt EP300 protein function with a negative predictive value of 80%. In summary, the available evidence is currently insufficient to determine the role of this variant in disease. Therefore, it has been classified as a Variant of Uncertain Significance.

Ambry Genetics
Classification: Uncertain significance for Inborn genetic diseases. Last evaluated: 2021-08-17. Review status: criteria provided, single submitter. Criteria: Ambry Variant Classification Scheme 2023. Collection method: clinical testing. Allele origin: germline.